The following is an entry in ClinVar:

ClinVar aggregate classification (germline): Conflicting classifications of pathogenicity. Review status: criteria provided, conflicting classifications (1 of 4 stars). 5 submissions from 5 submitters: Uncertain significance (1); Likely benign (4). Last evaluated 2026-05-11.

Conditions:
TTN-related disorder. Also called: TTN-related disorders; TTN-related condition; TTN-related disease.
Dilated cardiomyopathy 1G (CMD1G). Identifiers: Orphanet 154, MedGen C1858763, MONDO:0011400, OMIM 604145.
Autosomal recessive limb-girdle muscular dystrophy type 2J (LGMDR10). Also called: Limb-girdle muscular dystrophy, type 2J; MUSCULAR DYSTROPHY, LIMB-GIRDLE, AUTOSOMAL RECESSIVE 10. Identifiers: Orphanet 140922, MedGen C1837342, MONDO:0012127, OMIM 608807.

Allele frequency attached by ClinVar (database versions not stated): gnomAD 0.00003 and 0.00004; gnomAD exomes 0.00004 and 0.00011; TOPMed 0.00006; ExAC 0.00010.
gnomAD v4.1: 67 of 1,604,480 alleles (0.0042%); highest among the groups gnomAD compares: East Asian, 0.12%; no homozygotes.

Submissions (5):

PreventionGenetics, part of Exact Sciences
Classification: Likely benign for TTN-related condition. Last evaluated: 2026-05-11. Review status: criteria provided, single submitter. Criteria: ACMG Guidelines, 2015. Collection method: clinical testing. Allele origin: germline.
Comment: This variant is classified as likely benign based on ACMG/AMP sequence variant interpretation guidelines (Richards et al. 2015 PMID: 25741868, with internal and published modifications).

Women's Health and Genetics/Laboratory Corporation of America, LabCorp
Classification: Likely benign. Last evaluated: 2025-12-03. Review status: criteria provided, single submitter. Criteria: LabCorp Variant Classification Summary - May 2015. Collection method: clinical testing. Allele origin: germline.
Comment: Variant summary: TTN c.28288C>G (p.Leu9430Val) results in a conservative amino acid change located in the I-band region of the encoded protein sequence. Algorithms developed to predict the effect of missense changes on protein structure and function all suggest that this variant is likely to be tolerated. The variant allele was found at a frequency of 0.00011 in 240112 control chromosomes, predominantly at a frequency of 0.0015 within the East Asian subpopulation in the gnomAD database. The observed variant frequency within East Asian control individuals in the gnomAD database exceeds the estimated maximal expected allele frequency for disease-causing variants in TTN. To our knowledge, no occurrence of c.28288C>G in individuals affected with TTN-related conditions and no experimental evidence demonstrating its impact on protein function have been reported. ClinVar contains an entry for this variant (Variation ID: 228081). Based on the evidence outlined above, the variant was classified as likely benign.

Revvity Omics, Revvity
Classification: Likely benign. Last evaluated: 2023-05-03. Review status: criteria provided, single submitter. Criteria: ACMG Guidelines, 2015. Collection method: clinical testing. Allele origin: germline.

Labcorp Genetics (formerly Invitae), Labcorp
Classification: Uncertain significance for Dilated cardiomyopathy 1G; Autosomal recessive limb-girdle muscular dystrophy type 2J. Last evaluated: 2016-10-05. Review status: criteria provided, single submitter. Criteria: Invitae Variant Classification Sherloc (09022015). Collection method: clinical testing. Allele origin: germline.

Laboratory for Molecular Medicine, Mass General Brigham Personalized Medicine
Classification: Likely benign. Last evaluated: 2015-04-03. Review status: criteria provided, single submitter. Criteria: LMM Criteria. Collection method: clinical testing. Allele origin: germline. Observed: 1 variant allele.
Comment: p.Leu9430Val in exon 122 of TTN: This variant is not expected to have clinical s ignificance due to a lack of conservation across species, including mammals. Of note, >10 mammals (including 1 primate) have a valine (Val) at this position des pite high nearby amino acid conservation. It has been identified in 0.1% (11/862 0) of East Asian chromosomes by the Exome Aggregation Consortium (ExAC).

NM_001267550.2(TTN):c.32020C>G (p.Leu10674Val)

Gene: TTN (titin; minus strand). Cytogenetic location: 2q31.2.
Variant type: single nucleotide variant.
Coding change: c.32020C>G on transcript NM_001267550.2 (MANE Select); coding-DNA position 32020, C replaced by G.
Protein change: p.Leu10674Val; replaces leucine 10674 with valine.
Molecular consequence: missense variant. On other transcripts: intron variant (3).
Genome position (GRCh38, 1-based): chr2:178,689,128, G>C on the plus strand (C>G on the coding strand, the complement: TTN is on the minus strand). VCF-style: chr2-178689128-G-C. GRCh37 (hg19) VCF-style: chr2-179553855-G-C.
Other names: c.28288C>G, p.Leu9430Val (NM_133378.4); c.31069C>G, p.Leu10357Val (NM_001256850.1); c.13283-46811C>G (NM_003319.4); c.13859-46811C>G (NM_133437.4); c.13658-46811C>G (NM_133432.3); short protein forms L10674V, L9430V, L10357V.
Identifiers: ClinVar variation 228081 (VCV000228081.12), dbSNP rs766003250, ClinGen allele CA1998765.